The following is an entry in ClinVar:

ClinVar aggregate classification (germline): Uncertain significance (1 of 4 stars; one submission).

Conditions:
Emery-Dreifuss muscular dystrophy 5, autosomal dominant (EDMD5). Also called: EMERY-DREIFUSS MUSCULAR DYSTROPHY 5. Identifiers: Orphanet 261, MedGen C2751805, MONDO:0013072, OMIM 612999.

Allele frequency attached by ClinVar (database versions not stated): gnomAD exomes below 0.00001; TOPMed below 0.00001; ExAC 0.00001; gnomAD 0.00002.
gnomAD v4.1: 10 of 1,614,056 alleles (0.00062%); highest among the groups gnomAD compares: African/African-American, 0.004%; no homozygotes.

Submission:

Labcorp Genetics (formerly Invitae), Labcorp
Classification: Uncertain significance for Emery-Dreifuss muscular dystrophy 5, autosomal dominant. Last evaluated: 2024-12-04. Review status: criteria provided, single submitter. Criteria: Invitae Variant Classification Sherloc (09022015). Collection method: clinical testing. Allele origin: germline.
Comment: This sequence change replaces tyrosine, which is neutral and polar, with cysteine, which is neutral and slightly polar, at codon 4526 of the SYNE2 protein (p.Tyr4526Cys). This variant is present in population databases (rs112578950, gnomAD 0.006%). This variant has not been reported in the literature in individuals affected with SYNE2-related conditions. ClinVar contains an entry for this variant (Variation ID: 2415433). An algorithm developed to predict the effect of missense changes on protein structure and function outputs the following: PolyPhen-2: "Benign". The cysteine amino acid residue is found in multiple mammalian species, which suggests that this missense change does not adversely affect protein function. In summary, the available evidence is currently insufficient to determine the role of this variant in disease. Therefore, it has been classified as a Variant of Uncertain Significance.

NM_182914.3(SYNE2):c.13577A>G (p.Tyr4526Cys)

Gene: SYNE2 (spectrin repeat containing nuclear envelope protein 2; plus strand). Cytogenetic location: 14q23.2.
Variant type: single nucleotide variant.
Coding change: c.13577A>G on transcript NM_182914.3 (MANE Select); coding-DNA position 13577, A replaced by G.
Protein change: p.Tyr4526Cys; replaces tyrosine 4526 with cysteine.
Molecular consequence: missense variant.
Genome position (GRCh38, 1-based): chr14:64,126,349, A>G. VCF-style: chr14-64126349-A-G. GRCh37 (hg19) VCF-style: chr14-64593067-A-G.
Other names: c.13577A>G, p.Tyr4526Cys (NM_015180.6); short protein forms Y4526C.
Identifiers: ClinVar variation 2415433 (VCV002415433.6), dbSNP rs112578950, ClinGen allele CA7222503.